The following is an entry in ClinVar:

ClinVar aggregate classification (germline): Pathogenic/Likely pathogenic. Review status: criteria provided, multiple submitters, no conflicts (2 of 4 stars). 4 submissions from 4 submitters: Pathogenic (3); Likely pathogenic (1). Last evaluated 2026-07-13.

Conditions:
BEST1-related disorder. Also called: BEST1-related disorders; BEST1-related condition. Identifiers: MedGen CN239200.

Allele frequency attached by ClinVar (database versions not stated): ExAC 0.00002; gnomAD exomes 0.00002; TOPMed 0.00002.

Submissions (4):

PreventionGenetics, part of Exact Sciences
Classification: Pathogenic for BEST1-related condition. Last evaluated: 2026-07-13. Review status: criteria provided, single submitter. Criteria: ACMG Guidelines, 2015. Collection method: clinical testing. Allele origin: germline.
Comment: The BEST1 c.139C>T variant is predicted to result in the amino acid substitution p.Arg47Cys. This variant has been reported in the homozygous state in individuals with BEST1-related disease (Dhoble et al. 2023. PubMed ID: 36908234; Kinnick et al. 2011. PubMed ID: 21273940; Table S1, Lin et al. 2024. PubMed ID: 38219857; Sodi et al. 2011. PubMed ID: 22162627). This variant was also reported in a large cohort of individuals with retinal disease (Table S1, Karali et al. 2022. PubMed ID: 36460718). This variant is reported in 0.0029% of alleles in individuals of Latino descent in gnomAD. A different variant affecting the same amino acid position, c.140G>A, p.(Arg47His), has been reported in individuals with autosomal recessive and autosomal dominant BEST1-related conditions (for example, Hufendiek et al. 2020. PubMed ID: 33302512; Nguyen et al. 2018. PubMed ID: 29976937; Gao et al. 2018. PubMed ID: 30498755; Krämer et al. 2000. PubMed ID: 10854112; Liu et al. 2016. PubMed ID: 27078032; Table S4, Jespersgaard et al. 2019. PubMed ID: 30718709). This p.Arg47Cys variant is interpreted as pathogenic for autosomal recessive BEST1-related disease.

Labcorp Genetics (formerly Invitae), Labcorp
Classification: Pathogenic. Last evaluated: 2025-06-15. Review status: criteria provided, single submitter. Criteria: Invitae Variant Classification Sherloc (09022015). Collection method: clinical testing. Allele origin: germline.
Comment: This sequence change replaces arginine, which is basic and polar, with cysteine, which is neutral and slightly polar, at codon 47 of the BEST1 protein (p.Arg47Cys). This variant is present in population databases (rs765333778, gnomAD 0.003%). This missense change has been observed in individuals with clinical features of autosomal recessive bestrophinopathy (PMID: 21273940, 22162627, 28590961). It has also been observed to segregate with disease in related individuals. ClinVar contains an entry for this variant (Variation ID: 305117). Invitae Evidence Modeling of protein sequence and biophysical properties (such as structural, functional, and spatial information, amino acid conservation, physicochemical variation, residue mobility, and thermodynamic stability) indicates that this missense variant is expected to disrupt BEST1 protein function with a positive predictive value of 95%. This variant disrupts the p.Arg47 amino acid residue in BEST1. Other variant(s) that disrupt this residue have been determined to be pathogenic (PMID: 29976937, 30498755). This suggests that this residue is clinically significant, and that variants that disrupt this residue are likely to be disease-causing. For these reasons, this variant has been classified as Pathogenic.

Revvity Omics, Revvity
Classification: Likely pathogenic. Last evaluated: 2023-03-09. Review status: criteria provided, single submitter. Criteria: ACMG Guidelines, 2015. Collection method: clinical testing. Allele origin: germline.

Blueprint Genetics
Classification: Pathogenic for BEST1-related disorders. Last evaluated: 2023-02-23. Review status: criteria provided, single submitter. Criteria: ACMG Guidelines, 2015. Collection method: clinical testing. Allele origin: germline. Affected: yes. Observed: 5 variant alleles.

Literature cited by the submitters: PubMed 21273940 (cited by Labcorp Genetics (formerly Invitae), Labcorp); PubMed 22162627 (cited by Labcorp Genetics (formerly Invitae), Labcorp); PubMed 28590961 (cited by Labcorp Genetics (formerly Invitae), Labcorp); PubMed 29976937 (cited by Labcorp Genetics (formerly Invitae), Labcorp); PubMed 30498755 (cited by Labcorp Genetics (formerly Invitae), Labcorp).

NM_004183.4(BEST1):c.139C>T (p.Arg47Cys)

Gene: BEST1 (bestrophin 1; plus strand). Cytogenetic location: 11q12.3.
Variant type: single nucleotide variant.
Coding change: c.139C>T on transcript NM_004183.4 (MANE Select); coding-DNA position 139, C replaced by T.
Protein change: p.Arg47Cys; replaces arginine 47 with cysteine.
Molecular consequence: missense variant. On other transcripts: non-coding transcript variant (1), intron variant (6).
Genome position (GRCh38, 1-based): chr11:61,951,945, C>T. VCF-style: chr11-61951945-C-T. GRCh37 (hg19) VCF-style: chr11-61719417-C-T.
Other names: c.139C>T, p.Arg47Cys (NM_001363592.2, NM_001440571.1, NM_001440572.1 and 1 more transcripts); c.-29+1518C>T (NM_001139443.3, NM_001300787.2, NM_001440574.1 and 3 more transcripts); short protein forms R47C.
Identifiers: ClinVar variation 305117 (VCV000305117.18), dbSNP rs765333778, ClinGen allele CA6040678.
Genomic context (GRCh38, chr11:61,951,945, plus strand): 5'-AGCATCTACAAGCTGCTATATGGCGAGTTCTTAATCTTCCTGCTCTGCTACTACATCATC[C>T]GCTTTATTTATAGGTAAAGCTGGCAGGGCTGGGCCGGGGGGCCTGGGAAGGATGTGGCTG-3'
Protein context (NP_004174.1, residues 37-57): LIFLLCYYII[Arg47Cys]FIYRLALTEE